The following is an entry in ClinVar:

NM_016592.5(GNAS):c.720C>A (p.Ile240=)

Genes: GNAS (GNAS complex locus; plus strand), GNAS-AS1 (GNAS antisense RNA 1; minus strand). Cytogenetic location: 20q13.32.
Variant type: single nucleotide variant.
Coding change: c.720C>A on transcript NM_016592.5 (MANE Plus Clinical); coding-DNA position 720, C replaced by A.
Protein change: p.Ile240=; no amino-acid change (isoleucine 240 retained).
Molecular consequence: synonymous variant. On other transcripts: 5 prime UTR variant (1).
Genome position (GRCh38, 1-based): chr20:58,840,826, C>A. VCF-style: chr20-58840826-C-A. GRCh37 (hg19) VCF-style: chr20-57415881-C-A.
Other names: c.-18C>A (NM_001410912.1).
Identifiers: ClinVar variation 4526956 (VCV004526956.3).

ClinVar aggregate classification (germline): Conflicting classifications of pathogenicity. Review status: criteria provided, conflicting classifications (1 of 4 stars). 2 submissions from 2 submitters: Uncertain significance (1); Likely benign (1). Last evaluated 2026-10-02.

gnomAD v4.1: 169 of 1,612,792 alleles (0.01%); highest among the groups gnomAD compares: African/African-American, 0.19%; no homozygotes.

Submissions (2):

GeneDx
Classification: Uncertain significance. Last evaluated: 2026-10-02. Review status: criteria provided, single submitter. Criteria: GeneDx Variant Classification Process June 2021. Collection method: clinical testing. Allele origin: germline.
Comment: In silico analysis indicates that this variant does not alter splicing; Has not been previously published as pathogenic or benign to our knowledge; Reported using an alternate transcript of the gene

Blueprint Genetics
Classification: Likely benign. Last evaluated: 2024-08-30. Review status: criteria provided, single submitter. Criteria: ACMG Guidelines, 2015. Collection method: clinical testing. Allele origin: germline.